The following is an entry in ClinVar:

NM_032119.4(ADGRV1):c.4084A>G (p.Met1362Val)

Gene: ADGRV1 (adhesion G protein-coupled receptor V1; plus strand). Cytogenetic location: 5q14.3.
Variant type: single nucleotide variant.
Coding change: c.4084A>G on transcript NM_032119.4 (MANE Select); coding-DNA position 4084, A replaced by G.
Protein change: p.Met1362Val; replaces methionine 1362 with valine.
Molecular consequence: missense variant. On other transcripts: non-coding transcript variant (1).
Genome position (GRCh38, 1-based): chr5:90,653,658, A>G. VCF-style: chr5-90653658-A-G. GRCh37 (hg19) VCF-style: chr5-89949475-A-G.
Other names: c.4084A>G (NM_032119.3); short protein forms M1362V.
Identifiers: ClinVar variation 1717110 (VCV001717110.6), dbSNP rs752538744, ClinGen allele CA3339289.

ClinVar aggregate classification (germline): Uncertain significance. Review status: criteria provided, multiple submitters, no conflicts (2 of 4 stars). 2 submissions from 2 submitters: Uncertain significance (2). Last evaluated 2025-09-03.

Conditions:
ADGRV1-related disorder. Also called: ADGRV1-related disorders; ADGRV1-related condition.

Allele frequency attached by ClinVar (database versions not stated): gnomAD exomes below 0.00001; ExAC 0.00001.

Submissions (2):

PreventionGenetics, part of Exact Sciences
Classification: Uncertain significance for ADGRV1-related condition. Last evaluated: 2025-09-03. Review status: criteria provided, single submitter. Criteria: ACMG Guidelines, 2015. Collection method: clinical testing. Allele origin: germline.
Comment: The ADGRV1 c.4084A>G variant is predicted to result in the amino acid substitution p.Met1362Val. To our knowledge, this variant has not been reported in the literature. This variant is reported in 0.0029% of alleles in individuals of Latino descent in gnomAD. At this time, the clinical significance of this variant is uncertain due to the absence of conclusive functional and genetic evidence.

Labcorp Genetics (formerly Invitae), Labcorp
Classification: Uncertain significance. Last evaluated: 2022-08-20. Review status: criteria provided, single submitter. Criteria: Invitae Variant Classification Sherloc (09022015). Collection method: clinical testing. Allele origin: germline.
Comment: In summary, the available evidence is currently insufficient to determine the role of this variant in disease. Therefore, it has been classified as a Variant of Uncertain Significance. Algorithms developed to predict the effect of missense changes on protein structure and function (SIFT, PolyPhen-2, Align-GVGD) all suggest that this variant is likely to be tolerated. This variant has not been reported in the literature in individuals affected with ADGRV1-related conditions. This variant is present in population databases (rs752538744, gnomAD 0.003%). This sequence change replaces methionine, which is neutral and non-polar, with valine, which is neutral and non-polar, at codon 1362 of the ADGRV1 protein (p.Met1362Val).